The following is an entry in ClinVar:

NM_000059.4(BRCA2):c.4388A>G (p.Asn1463Ser)

Gene: BRCA2 (BRCA2 DNA repair associated; plus strand). Cytogenetic location: 13q13.1.
Variant type: single nucleotide variant.
Coding change: c.4388A>G on transcript NM_000059.4 (MANE Select); coding-DNA position 4388, A replaced by G.
Protein change: p.Asn1463Ser; replaces asparagine 1463 with serine.
Molecular consequence: missense variant.
Genome position (GRCh38, 1-based): chr13:32,338,743, A>G. VCF-style: chr13-32338743-A-G. GRCh37 (hg19) VCF-style: chr13-32912880-A-G.
Other names: short protein forms N1463S.
Identifiers: ClinVar variation 923130 (VCV000923130.15), dbSNP rs1305070555, ClinGen allele CA387781080.
Genomic context (GRCh38, chr13:32,338,743, plus strand): 5'-TTAATAAAATTGTAAATTTCTTTGATCAGAAACCAGAAGAATTGCATAACTTTTCCTTAA[A>G]TTCTGAATTACATTCTGACATAAGAAAGAACAAAATGGACATTCTAAGTTATGAGGAAAC-3'
Protein context (NP_000050.3, residues 1453-1473): KPEELHNFSL[Asn1463Ser]SELHSDIRKN

ClinVar aggregate classification (germline): Conflicting classifications of pathogenicity. Review status: criteria provided, conflicting classifications (1 of 4 stars). 5 submissions from 5 submitters: Uncertain significance (3); Likely benign (2). Last evaluated 2026-02-11.

Conditions:
Hereditary cancer-predisposing syndrome. Also called: Tumor predisposition; Hereditary neoplastic syndrome; Hereditary Cancer Syndrome; Neoplastic Syndromes, Hereditary. Identifiers: Orphanet 140162, MedGen C0027672, MeSH D009386, MONDO:0015356.
Hereditary breast ovarian cancer syndrome. Also called: Hereditary breast and ovarian cancer; Breast and ovarian cancer; BRCA1- and BRCA2-Associated Hereditary Breast and Ovarian Cancer; Hereditary breast and ovarian cancer syndrome (HBOC); Hereditary breast and/or ovarian cancer syndrome; Hereditary breast and ovarian cancer syndrome. Identifiers: Orphanet 145, MedGen C0677776, MeSH D061325, MONDO:0003582. Disease mechanism: loss of function.
BRCA2-related cancer predisposition. Identifiers: MedGen CN377758, MONDO:0700269.

Allele frequency attached by ClinVar (database versions not stated): gnomAD 0.00001.
gnomAD v4.1: 1 of 1,601,906 alleles (0.000062%); highest among the groups gnomAD compares: African/African-American, 0.0013%; no homozygotes.

Submissions (5):

Ambry Genetics
Classification: Likely benign for Hereditary cancer-predisposing syndrome. Last evaluated: 2026-02-11. Review status: criteria provided, single submitter. Criteria: Ambry Variant Classification Scheme 2023. Collection method: clinical testing. Allele origin: germline.

Labcorp Genetics (formerly Invitae), Labcorp
Classification: Uncertain significance for Hereditary breast ovarian cancer syndrome. Last evaluated: 2024-11-24. Review status: criteria provided, single submitter. Criteria: Invitae Variant Classification Sherloc (09022015). Collection method: clinical testing. Allele origin: germline.
Comment: This sequence change replaces asparagine, which is neutral and polar, with serine, which is neutral and polar, at codon 1463 of the BRCA2 protein (p.Asn1463Ser). This variant is present in population databases (no rsID available, gnomAD 0.01%). This variant has not been reported in the literature in individuals affected with BRCA2-related conditions. ClinVar contains an entry for this variant (Variation ID: 923130). Invitae Evidence Modeling of protein sequence and biophysical properties (such as structural, functional, and spatial information, amino acid conservation, physicochemical variation, residue mobility, and thermodynamic stability) indicates that this missense variant is not expected to disrupt BRCA2 protein function with a negative predictive value of 95%. In summary, the available evidence is currently insufficient to determine the role of this variant in disease. Therefore, it has been classified as a Variant of Uncertain Significance.

All of Us Research Program, National Institutes of Health
Classification: Uncertain significance for BRCA2-related cancer predisposition. Last evaluated: 2024-06-09. Review status: criteria provided, single submitter. Criteria: ACMG Guidelines, 2015. Collection method: clinical testing. Allele origin: germline. Inheritance: Autosomal dominant inheritance. Observed: 1 variant allele, 1 heterozygote.
Comment: This missense variant replaces asparagine with serine at codon 1463 of the BRCA2 protein. Computational prediction suggests that this variant may not impact protein structure and function (internally defined REVEL score threshold <= 0.5, PMID: 27666373). To our knowledge, functional studies have not been reported for this variant. This variant has not been reported in individuals affected with BRCA2-related disorders in the literature. This variant has been identified in 1/31400 chromosomes in the general population by the Genome Aggregation Database (gnomAD). The available evidence is insufficient to determine the role of this variant in disease conclusively. Therefore, this variant is classified as a Variant of Uncertain Significance.

This study involves interpretation of variants in research participants for the purpose of population health screening. Participant phenotype was not available at the time of variant classification. Additional details can be found in publication PMID: 35346344, PMCID: PMC8962531

Color Diagnostics, LLC DBA Color Health
Classification: Uncertain significance for Hereditary cancer-predisposing syndrome. Last evaluated: 2023-12-05. Review status: criteria provided, single submitter. Criteria: ACMG Guidelines, 2015. Collection method: clinical testing. Allele origin: germline.
Comment: This missense variant replaces asparagine with serine at codon 1463 of the BRCA2 protein. Computational prediction suggests that this variant may not impact protein structure and function (internally defined REVEL score threshold <= 0.5, PMID: 27666373). To our knowledge, functional studies have not been reported for this variant. This variant has not been reported in individuals affected with BRCA2-related disorders in the literature. This variant has been identified in 1/31400 chromosomes in the general population by the Genome Aggregation Database (gnomAD). The available evidence is insufficient to determine the role of this variant in disease conclusively. Therefore, this variant is classified as a Variant of Uncertain Significance.

University of Washington Department of Laboratory Medicine, University of Washington
Classification: Likely benign for Hereditary cancer-predisposing syndrome. Last evaluated: 2023-03-23. Review status: criteria provided, single submitter. Criteria: Dines et al. (Genet Med. 2020). Collection method: curation. Allele origin: germline.
Comment: Missense variant in a coldspot region where missense variants are very unlikely to be pathogenic (PMID:31911673).

BRCA2 exon 11 coldspot. Reclassification based on statistical prior probability.